The following is an entry in ClinVar:

NM_025074.7(FRAS1):c.570_573dup (p.Ala192fs)

Gene: FRAS1 (Fraser extracellular matrix complex subunit 1; plus strand). Cytogenetic location: 4q21.21.
Variant type: Microsatellite.
Coding change: c.570_573dup on transcript NM_025074.7 (MANE Select); coding-DNA positions 570 to 573, 4 bases duplicated (CACA; older notation c.570_573dupCACA).
Protein change: p.Ala192fs; shifts the reading frame from alanine 192.
Molecular consequence: frameshift variant.
Genome position (GRCh38, 1-based): chr4:78,255,342-78,255,345, CACA duplicated. VCF-style (leftmost placement, unchanged base first): chr4-78255341-T-TCACA. GRCh37 (hg19) VCF-style: chr4-79176495-T-TCACA.
Other names: c.570_573dup, p.Ala192fs (NM_001166133.2); short protein forms A192fs.
Identifiers: ClinVar variation 916642 (VCV000916642.5), dbSNP rs1725743022, ClinGen allele CA1139658530.
Genomic context (GRCh38, chr4:78,255,341, plus strand): 5'-AGGACTGGCGGCTGAGCCGGTGTGCCAAATGTCTGTGTAGAAATGGGGTTGCCCAGTGCT[T>TCACA]CACAGCTCAGTGTCAGCCTCTATTTTGTAACCAGGTAAGGAAGACAACCTCAGCATGCAG-3'

ClinVar aggregate classification (germline): Pathogenic. Review status: criteria provided, multiple submitters, no conflicts (2 of 4 stars). 3 submissions from 3 submitters: Pathogenic (3). Last evaluated 2025-06-13.

Conditions:
Fraser syndrome 1 (FRASRS1). Also called: CRYPTOPHTHALMOS WITH OTHER MALFORMATIONS. Identifiers: Orphanet 2052, MedGen C4551480, MONDO:0054737, OMIM 219000.

Submissions (3):

Laboratorio de Genetica e Diagnostico Molecular, Hospital Israelita Albert Einstein
Classification: Pathogenic for Fraser syndrome 1. Last evaluated: 2025-06-13. Review status: criteria provided, single submitter. Criteria: ACMG Guidelines, 2015. Collection method: clinical testing. Allele origin: germline. Affected: yes.
Comment: ACMG classification criteria: PVS1 very strong, PM2 supporting, PM3 supporting

Labcorp Genetics (formerly Invitae), Labcorp
Classification: Pathogenic. Last evaluated: 2023-07-25. Review status: criteria provided, single submitter. Criteria: Invitae Variant Classification Sherloc (09022015). Collection method: clinical testing. Allele origin: germline.
Comment: For these reasons, this variant has been classified as Pathogenic. Algorithms developed to predict the effect of sequence changes on RNA splicing suggest that this variant may disrupt the consensus splice site. ClinVar contains an entry for this variant (Variation ID: 916642). This variant has not been reported in the literature in individuals affected with FRAS1-related conditions. This variant is not present in population databases (gnomAD no frequency). This sequence change creates a premature translational stop signal (p.Ala192Hisfs*10) in the FRAS1 gene. It is expected to result in an absent or disrupted protein product. Loss-of-function variants in FRAS1 are known to be pathogenic (PMID: 12766769, 18671281).

Service de Biochimie Médicale et Biologie Moléculaire, CHU Clermont-Ferrand
Classification: Pathogenic for Fraser syndrome 1. Last evaluated: 2018-09-14. Review status: criteria provided, single submitter. Criteria: ACMG Guidelines, 2015. Collection method: clinical testing. Allele origin: inherited. Inheritance: Autosomal recessive inheritance. Affected: yes.
Comment: This variant in homozygous state or compound heterozygous state induced Fraser syndrome phenotype

Literature cited by the submitters: PubMed 12766769 (cited by Labcorp Genetics (formerly Invitae), Labcorp); PubMed 18671281 (cited by Labcorp Genetics (formerly Invitae), Labcorp).